The following is an entry in ClinVar:

NM_000051.4(ATM):c.8152-9A>T

Genes: ATM (ATM serine/threonine kinase; plus strand), C11orf65 (chromosome 11 open reading frame 65; minus strand). Cytogenetic location: 11q22.3.
Variant type: single nucleotide variant.
Coding change: c.8152-9A>T on transcript NM_000051.4 (MANE Select); 9 bases into the intron before coding-DNA position 8152, A replaced by T.
Molecular consequence: intron variant.
Genome position (GRCh38, 1-based): chr11:108,335,836, A>T. VCF-style: chr11-108335836-A-T. GRCh37 (hg19) VCF-style: chr11-108206563-A-T.
Other names: c.8152-9A>T (NM_001351834.2); c.641-26765T>A (NM_001330368.2); c.695-544T>A (NM_001351110.2).
Identifiers: ClinVar variation 2862617 (VCV002862617.4), dbSNP rs1555128181, ClinGen allele CA2724976814.

ClinVar aggregate classification (germline): Likely benign. Review status: criteria provided, multiple submitters, no conflicts (2 of 4 stars). 2 submissions from 2 submitters: Likely benign (2). Last evaluated 2024-06-18.

Conditions:
Ataxia-telangiectasia syndrome (AT). Also called: ATAXIA-TELANGIECTASIA, COMPLEMENTATION GROUP A; ATAXIA-TELANGIECTASIA, FRESNO VARIANT; Ataxia-telangiectasia; Ataxia-telangiectasia, complementation group E; LOUIS-BAR SYNDROME; Cerebello-oculocutaneous telangiectasia. Identifiers: Orphanet 100, MedGen C0004135, MONDO:0008840, OMIM 208900.
Familial cancer of breast. Also called: BREAST CANCER, FAMILIAL; Hereditary breast cancer; hereditary breast carcinoma. Identifiers: Orphanet 227535, MedGen C0346153, MONDO:0016419, OMIM 114480. Disease mechanism: loss of function.

Submissions (2):

Myriad Genetics, Inc.
Classification: Likely benign for Familial cancer of breast. Last evaluated: 2024-06-18. Review status: criteria provided, single submitter. Criteria: Myriad Autosomal Dominant, Autosomal Recessive and X-Linked Classification Criteria (2023). Collection method: clinical testing. Allele origin: unknown.
Comment: This variant is considered likely benign. This variant is intronic and is not expected to impact mRNA splicing.

Labcorp Genetics (formerly Invitae), Labcorp
Classification: Likely benign for Ataxia-telangiectasia syndrome. Last evaluated: 2023-05-08. Review status: criteria provided, single submitter. Criteria: Invitae Variant Classification Sherloc (09022015). Collection method: clinical testing. Allele origin: germline.